The following is an entry in ClinVar:

ClinVar aggregate classification (germline): Uncertain significance (1 of 4 stars; one submission).

Conditions:
SCAF4-related disorder. Also called: SCAF4-related condition.

Submission:

PreventionGenetics, part of Exact Sciences
Classification: Uncertain significance for SCAF4-related condition. Last evaluated: 2026-03-13. Review status: criteria provided, single submitter. Criteria: ACMG Guidelines, 2015. Collection method: clinical testing. Allele origin: germline.
Comment: The SCAF4 c.1945A>G variant is predicted to result in the amino acid substitution p.Thr649Ala. To our knowledge, this variant has not been reported in the literature or in a large population database (gnomAD), indicating this variant is rare. At this time, the clinical significance of this variant is uncertain due to the absence of conclusive functional and genetic evidence.

NM_020706.2(SCAF4):c.1945A>G (p.Thr649Ala)

Gene: SCAF4 (SR-related CTD associated factor 4; minus strand). Cytogenetic location: 21q22.11.
Variant type: single nucleotide variant.
Coding change: c.1945A>G on transcript NM_020706.2 (MANE Select); coding-DNA position 1945, A replaced by G.
Protein change: p.Thr649Ala; replaces threonine 649 with alanine.
Molecular consequence: missense variant.
Genome position (GRCh38, 1-based): chr21:31,688,405, T>C on the plus strand (A>G on the coding strand, the complement: SCAF4 is on the minus strand). VCF-style: chr21-31688405-T-C. GRCh37 (hg19) VCF-style: chr21-33060718-T-C.
Other names: c.1900A>G, p.Thr634Ala (NM_001145444.1); c.1945A>G, p.Thr649Ala (NM_001145445.1); short protein forms T634A, T649A.
Identifiers: ClinVar variation 4986267 (VCV004986267.1).